The following is an entry in ClinVar:

ClinVar aggregate classification (germline): Pathogenic (1 of 4 stars; one submission).

Conditions:
Primary ciliary dyskinesia. Also called: Ciliary dyskinesia. Identifiers: Orphanet 244, MedGen C0008780, MONDO:0016575, HP:0012265.

Submission:

Labcorp Genetics (formerly Invitae), Labcorp
Classification: Pathogenic for Primary ciliary dyskinesia. Last evaluated: 2023-08-29. Review status: criteria provided, single submitter. Criteria: Invitae Variant Classification Sherloc (09022015). Collection method: clinical testing. Allele origin: germline.
Comment: For these reasons, this variant has been classified as Pathogenic. This variant has not been reported in the literature in individuals affected with DNAH5-related conditions. This variant is not present in population databases (gnomAD no frequency). This sequence change creates a premature translational stop signal (p.Val259Serfs*12) in the DNAH5 gene. It is expected to result in an absent or disrupted protein product. Loss-of-function variants in DNAH5 are known to be pathogenic (PMID: 11788826, 16627867).

Literature cited by the submitters: PubMed 11788826; PubMed 16627867.

NM_001369.3(DNAH5):c.774dup (p.Val259fs)

Gene: DNAH5 (dynein axonemal heavy chain 5; minus strand). Cytogenetic location: 5p15.2.
Variant type: Duplication.
Coding change: c.774dup on transcript NM_001369.3 (MANE Select); coding-DNA position 774, one base duplicated (A; older notation c.774dupA).
Protein change: p.Val259fs; shifts the reading frame from valine 259.
Molecular consequence: frameshift variant.
Genome position (GRCh38, 1-based): chr5:13,920,504, T duplicated on the plus strand (A on the coding strand, the reverse complement: DNAH5 is on the minus strand); the first of 3 consecutive T bases (chr5:13,920,504-13,920,506); duplicating any one gives the same sequence. VCF-style (leftmost placement, unchanged base first): chr5-13920503-C-CT. GRCh37 (hg19) VCF-style: chr5-13920612-C-CT.
Other names: short protein forms V259fs.
Identifiers: ClinVar variation 2755960 (VCV002755960.3), dbSNP rs2547148858, ClinGen allele CA2697547099.